The following is an entry in ClinVar:

NM_004525.3(LRP2):c.9910C>A (p.Arg3304Ser)

Gene: LRP2 (LDL receptor related protein 2; minus strand). Cytogenetic location: 2q31.1.
Variant type: single nucleotide variant.
Coding change: c.9910C>A on transcript NM_004525.3 (MANE Select); coding-DNA position 9910, C replaced by A.
Protein change: p.Arg3304Ser; replaces arginine 3304 with serine.
Molecular consequence: missense variant.
Genome position (GRCh38, 1-based): chr2:169,182,255, G>T on the plus strand (C>A on the coding strand, the complement: LRP2 is on the minus strand). VCF-style: chr2-169182255-G-T. GRCh37 (hg19) VCF-style: chr2-170038765-G-T.
Other names: short protein forms R3304S.
Identifiers: ClinVar variation 1383754 (VCV001383754.4), dbSNP rs200915700, ClinGen allele CA1953487.
Genomic context (GRCh38, chr2:169,182,255, plus strand): 5'-TGGGATTATCAAAGCAGAAGGTGTTGTTGGCATCCACACAGTGCTGGGCCAGCATGCGGC[G>T]GTGTCCACCATTGAGGTCAGAGACAAAGAGGCCATCCAGGCGGGCATCCAACCAGTAGAG-3'
Protein context (NP_004516.2, residues 3294-3314): LFVSDLNGGH[Arg3304Ser]RMLAQHCVDA

ClinVar aggregate classification (germline): Uncertain significance. Review status: criteria provided, multiple submitters, no conflicts (2 of 4 stars). 2 submissions from 2 submitters: Uncertain significance (2). Last evaluated 2024-03-25.

Conditions:
Donnai-Barrow syndrome. Also called: DBS/FOAR SYNDROME; FACIOOCULOACOUSTICORENAL SYNDROME. Identifiers: Orphanet 2143, MedGen C1857277, MONDO:0009104, OMIM 222448.

Allele frequency attached by ClinVar (database versions not stated): 1000 Genomes Project 30x 0.00016; 1000 Genomes Project 0.00020.
gnomAD v4.1: 4 of 1,614,092 alleles (0.00025%); highest among the groups gnomAD compares: African/African-American, 0.004%; no homozygotes.

Submissions (2):

Fulgent Genetics
Classification: Uncertain significance for Donnai-Barrow syndrome. Last evaluated: 2024-03-25. Review status: criteria provided, single submitter. Criteria: ACMG Guidelines, 2015. Collection method: clinical testing. Allele origin: germline.

Labcorp Genetics (formerly Invitae), Labcorp
Classification: Uncertain significance. Last evaluated: 2022-09-06. Review status: criteria provided, single submitter. Criteria: Invitae Variant Classification Sherloc (09022015). Collection method: clinical testing. Allele origin: germline.
Comment: This sequence change replaces arginine, which is basic and polar, with serine, which is neutral and polar, at codon 3304 of the LRP2 protein (p.Arg3304Ser). This variant is present in population databases (rs200915700, gnomAD 0.007%). This variant has not been reported in the literature in individuals affected with LRP2-related conditions. ClinVar contains an entry for this variant (Variation ID: 1383754). Algorithms developed to predict the effect of missense changes on protein structure and function are either unavailable or do not agree on the potential impact of this missense change (SIFT: "Deleterious"; PolyPhen-2: "Possibly Damaging"; Align-GVGD: "Class C0"). Algorithms developed to predict the effect of sequence changes on RNA splicing suggest that this variant may create or strengthen a splice site. In summary, the available evidence is currently insufficient to determine the role of this variant in disease. Therefore, it has been classified as a Variant of Uncertain Significance.